The following is an entry in ClinVar:

NM_000057.4(BLM):c.3598A>C (p.Lys1200Gln)

Gene: BLM (BLM RecQ like helicase; plus strand). Cytogenetic location: 15q26.1.
Variant type: single nucleotide variant.
Coding change: c.3598A>C on transcript NM_000057.4 (MANE Select); coding-DNA position 3598, A replaced by C.
Protein change: p.Lys1200Gln; replaces lysine 1200 with glutamine.
Molecular consequence: missense variant. On other transcripts: intron variant (1).
Genome position (GRCh38, 1-based): chr15:90,804,206, A>C. VCF-style: chr15-90804206-A-C. GRCh37 (hg19) VCF-style: chr15-91347436-A-C.
Other names: c.3598A>C, p.Lys1200Gln (NM_001287246.2); c.2473A>C, p.Lys825Gln (NM_001287248.2); c.3359-4931A>C (NM_001287247.2); short protein forms K825Q, K1200Q.
Identifiers: ClinVar variation 1733032 (VCV001733032.2), dbSNP rs2505549699, ClinGen allele CA393847966.

ClinVar aggregate classification (germline): Uncertain significance (1 of 4 stars; one submission).

Conditions:
Hereditary cancer-predisposing syndrome. Also called: Neoplastic Syndromes, Hereditary; Tumor predisposition; Hereditary Cancer Syndrome; Hereditary neoplastic syndrome. Identifiers: Orphanet 140162, MedGen C0027672, MeSH D009386, MONDO:0015356.

Submission:

Ambry Genetics
Classification: Uncertain significance for Hereditary cancer-predisposing syndrome. Last evaluated: 2022-03-27. Review status: criteria provided, single submitter. Criteria: Ambry Variant Classification Scheme 2023. Collection method: clinical testing. Allele origin: germline.
Comment: The p.K1200Q variant (also known as c.3598A>C), located in coding exon 18 of the BLM gene, results from an A to C substitution at nucleotide position 3598. The lysine at codon 1200 is replaced by glutamine, an amino acid with similar properties. This amino acid position is conserved. In addition, this alteration is predicted to be tolerated by in silico analysis. Since supporting evidence is limited at this time, the clinical significance of this alteration remains unclear.